The following is an entry in ClinVar:

ClinVar aggregate classification (germline): Uncertain significance (1 of 4 stars; one submission).

Submission:

Ambry Genetics
Classification: Uncertain significance. Last evaluated: 2021-09-28. Review status: criteria provided, single submitter. Criteria: Ambry Variant Classification Scheme 2023. Collection method: clinical testing. Allele origin: germline.
Comment: The p.L463F variant (also known as c.1389G>T), located in coding exon 14 of the KIF1B gene, results from a G to T substitution at nucleotide position 1389. The leucine at codon 463 is replaced by phenylalanine, an amino acid with highly similar properties. This amino acid position is highly conserved in available vertebrate species. In addition, the in silico prediction for this alteration is inconclusive. Since supporting evidence is limited at this time, the clinical significance of this alteration remains unclear.

NM_001365951.3(KIF1B):c.1527G>T (p.Leu509Phe)

Gene: KIF1B (kinesin family member 1B; plus strand). Cytogenetic location: 1p36.22.
Variant type: single nucleotide variant.
Coding change: c.1527G>T on transcript NM_001365951.3 (MANE Select); coding-DNA position 1527, G replaced by T.
Protein change: p.Leu509Phe; replaces leucine 509 with phenylalanine.
Molecular consequence: missense variant.
Genome position (GRCh38, 1-based): chr1:10,292,059, G>T. VCF-style: chr1-10292059-G-T. GRCh37 (hg19) VCF-style: chr1-10352117-G-T.
Other names: c.1527G>T, p.Leu509Phe (NM_001365952.1); c.1389G>T, p.Leu463Phe (NM_001365953.1, NM_015074.3, NM_183416.4); short protein forms L509F, L463F.
Identifiers: ClinVar variation 1771486 (VCV001771486.2), dbSNP rs2521358027, ClinGen allele CA338313392.